The following is an entry in ClinVar:

NM_000435.3(NOTCH3):c.964G>A (p.Val322Met)

Gene: NOTCH3 (notch receptor 3; minus strand). Cytogenetic location: 19p13.12.
Variant type: single nucleotide variant.
Coding change: c.964G>A on transcript NM_000435.3 (MANE Select); coding-DNA position 964, G replaced by A.
Protein change: p.Val322Met; replaces valine 322 with methionine.
Molecular consequence: missense variant.
Genome position (GRCh38, 1-based): chr19:15,191,496, C>T on the plus strand (G>A on the coding strand, the complement: NOTCH3 is on the minus strand). VCF-style: chr19-15191496-C-T. GRCh37 (hg19) VCF-style: chr19-15302307-C-T.
Other names: p.Val322Met; short protein forms V322M.
Identifiers: ClinVar variation 328413 (VCV000328413.37), dbSNP rs115029695, ClinGen allele CA9263748.

ClinVar aggregate classification (germline): Likely benign. Review status: criteria provided, multiple submitters, no conflicts (2 of 4 stars). 7 submissions from 7 submitters: Likely benign (6). 1 of the submissions does not count toward it. Last evaluated 2026-06-01.

Conditions:
Cerebral arteriopathy, autosomal dominant, with subcortical infarcts and leukoencephalopathy, type 1 (CADASIL1). Also called: CADASIL 1; Cerebral arteriopathy with subcortical infarcts and leukoencephalopathy 1; CASIL; DEMENTIA, HEREDITARY MULTIINFARCT TYPE. Identifiers: Orphanet 136, MedGen C4551768, MONDO:0000914, OMIM 125310.
NOTCH3-related disorder. Also called: NOTCH3-related disorders; NOTCH3-related condition.

Allele frequency attached by ClinVar (database versions not stated): TOPMed 0.00013; gnomAD exomes 0.00014; 1000 Genomes Project 30x 0.00016; ExAC 0.00018; 1000 Genomes Project 0.00020; gnomAD 0.00025; ESP Exome Variant Server 0.00031.
gnomAD v4.1: 244 of 1,613,194 alleles (0.015%); highest among the groups gnomAD compares: Non-Finnish European, 0.017%; 1 homozygote.

Submissions (7):

CeGaT Center for Human Genetics Tuebingen
Classification: Likely benign. Last evaluated: 2026-06-01. Review status: criteria provided, single submitter. Criteria: CeGaT Center For Human Genetics Tuebingen Variant Classification Criteria Version 2. Collection method: clinical testing. Allele origin: germline. Affected: yes. Observed: 3 variant alleles.
Comment: NOTCH3: PS4:Moderate, BS1

Labcorp Genetics (formerly Invitae), Labcorp
Classification: Likely benign. Last evaluated: 2025-10-23. Review status: criteria provided, single submitter. Criteria: Invitae Variant Classification Sherloc (09022015). Collection method: clinical testing. Allele origin: germline.

Mayo Clinic Laboratories, Mayo Clinic
Classification: Likely benign. Last evaluated: 2025-06-04. Review status: criteria provided, single submitter. Criteria: ACMG Guidelines, 2015. Collection method: clinical testing. Allele origin: germline. Observed: 2 variant alleles.
Comment: BS2, BP1, BP2

Laboratory of Genetics, Children's Clinical University Hospital Latvia
Classification: Likely benign. Last evaluated: 2025-02-16. Review status: criteria provided, single submitter. Criteria: ACMG Guidelines, 2015. Collection method: clinical testing. Allele origin: germline. Affected: yes.

Blueprint Genetics
Classification: Likely benign. Last evaluated: 2024-08-12. Review status: criteria provided, single submitter. Criteria: ACMG Guidelines, 2015. Collection method: clinical testing. Allele origin: germline.

Illumina Laboratory Services, Illumina
Classification: Likely benign for Cerebral arteriopathy, autosomal dominant, with subcortical infarcts and leukoencephalopathy, type 1. Last evaluated: 2017-04-27. Review status: criteria provided, single submitter. Criteria: ICSL Variant Classification Criteria 13 December 2019. Collection method: clinical testing. Allele origin: germline.
Comment: This variant was observed as part of a predisposition screen in an ostensibly healthy population. A literature search was performed for the gene, cDNA change, and amino acid change (where applicable). Publications were found based on this search. The evidence from the literature, in combination with allele frequency data from public databases where available, was sufficient to determine this variant is unlikely to cause disease. Therefore, this variant is classified as likely benign.

PreventionGenetics, part of Exact Sciences
Classification: Likely benign for NOTCH3-related condition. Last evaluated: 2023-08-16. Review status: no assertion criteria provided. Collection method: clinical testing. Allele origin: germline. Not counted in ClinVar's aggregate classification.
Comment: This variant is classified as likely benign based on ACMG/AMP sequence variant interpretation guidelines (Richards et al. 2015 PMID: 25741868, with internal and published modifications).

Literature cited by the submitters: PubMed 25623805 (cited by Mayo Clinic Laboratories, Mayo Clinic and Illumina Laboratory Services, Illumina); PubMed 34322764 (cited by Mayo Clinic Laboratories, Mayo Clinic); PubMed 39072298 (cited by Mayo Clinic Laboratories, Mayo Clinic).